The following is an entry in ClinVar:

NM_018117.12(WDR11):c.919C>T (p.His307Tyr)

Gene: WDR11 (WD repeat domain 11; plus strand). Cytogenetic location: 10q26.12.
Variant type: single nucleotide variant.
Coding change: c.919C>T on transcript NM_018117.12 (MANE Select); coding-DNA position 919, C replaced by T.
Protein change: p.His307Tyr; replaces histidine 307 with tyrosine.
Molecular consequence: missense variant.
Genome position (GRCh38, 1-based): chr10:120,865,669, C>T. VCF-style: chr10-120865669-C-T. GRCh37 (hg19) VCF-style: chr10-122625181-C-T.
Other names: short protein forms H307Y.
Identifiers: ClinVar variation 2890996 (VCV002890996.3), dbSNP rs1323199873, ClinGen allele CA378322995.

ClinVar aggregate classification (germline): Uncertain significance (1 of 4 stars; one submission).

Allele frequency attached by ClinVar (database versions not stated): gnomAD 0.00001; TOPMed 0.00001.

Submission:

Labcorp Genetics (formerly Invitae), Labcorp
Classification: Uncertain significance. Last evaluated: 2024-09-05. Review status: criteria provided, single submitter. Criteria: Invitae Variant Classification Sherloc (09022015). Collection method: clinical testing. Allele origin: germline.
Comment: This sequence change replaces histidine, which is basic and polar, with tyrosine, which is neutral and polar, at codon 307 of the WDR11 protein (p.His307Tyr). This variant is not present in population databases (gnomAD no frequency). This variant has not been reported in the literature in individuals affected with WDR11-related conditions. An algorithm developed to predict the effect of missense changes on protein structure and function (PolyPhen-2) suggests that this variant is likely to be disruptive. In summary, the available evidence is currently insufficient to determine the role of this variant in disease. Therefore, it has been classified as a Variant of Uncertain Significance.